The following is an entry in ClinVar:

NM_000238.4(KCNH2):c.1375G>A (p.Val459Met)

Gene: KCNH2 (potassium voltage-gated channel subfamily H member 2; minus strand). Cytogenetic location: 7q36.1.
Variant type: single nucleotide variant.
Coding change: c.1375G>A on transcript NM_000238.4 (MANE Select); coding-DNA position 1375, G replaced by A.
Protein change: p.Val459Met; replaces valine 459 with methionine.
Molecular consequence: missense variant. On other transcripts: non-coding transcript variant (2).
Genome position (GRCh38, 1-based): chr7:150,952,607, C>T on the plus strand (G>A on the coding strand, the complement: KCNH2 is on the minus strand). VCF-style: chr7-150952607-C-T. GRCh37 (hg19) VCF-style: chr7-150649695-C-T.
Other names: c.355G>A, p.Val119Met (NM_001204798.2, NM_172057.3); c.1087G>A, p.Val363Met (NM_001406753.1, NM_001406756.1); c.1198G>A, p.Val400Met (NM_001406755.1); c.1075G>A, p.Val359Met (NM_001406757.1); c.1375G>A, p.Val459Met (NM_172056.3); short protein forms V119M, V359M, V363M, V400M, V459M.
Identifiers: ClinVar variation 3252924 (VCV003252924.5), dbSNP rs2486047895.
Genomic context (GRCh38, chr7:150,952,607, plus strand): 5'-TGGCATTGACGTAGGTGGTGCGGAAGTTGATGAGGATGTCCACAATGAACATGATGTCCA[C>T]GATGAGGTCCACCACAGCCAGCGGCTGGCAGGCGTAGCCACACTCGGTAGCAGGCGGGCC-3'
Protein context (NP_000229.1, residues 449-469): CQPLAVVDLI[Val459Met]DIMFIVDILI

ClinVar aggregate classification (germline): Uncertain significance. Review status: criteria provided, multiple submitters, no conflicts (2 of 4 stars). 4 submissions from 4 submitters: Uncertain significance (4). Last evaluated 2024-06-09.

Conditions:
Long QT syndrome (LQTS). Identifiers: MedGen C0023976, MeSH D008133, MONDO:0002442. Disease mechanism: loss of function. Inheritance: Various modes of inheritance.
Cardiac arrhythmia. Also called: Arrhythmia; Cardiac rhythm disease. Identifiers: MedGen C0003811, MONDO:0007263, HP:0011675.

Allele frequency attached by ClinVar (database versions not stated): gnomAD exomes below 0.00001.
gnomAD v4.1: 1 of 1,614,172 alleles (0.000062%); highest among the groups gnomAD compares: Non-Finnish European, 0.000085%; no homozygotes.

Submissions (4):

All of Us Research Program, National Institutes of Health
Classification: Uncertain significance for Long QT syndrome. Last evaluated: 2024-06-09. Review status: criteria provided, single submitter. Criteria: ACMG Guidelines, 2015. Collection method: clinical testing. Allele origin: germline. Inheritance: Autosomal dominant inheritance. Observed: 1 variant allele, 1 heterozygote.
Comment: This missense variant replaces valine with methionine at codon 459 of the KCNH2 protein. Computational prediction suggests that this variant may have deleterious impact on protein structure and function (internally defined REVEL score threshold >= 0.7, PMID: 27666373). This variant is found within a highly conserved pore region (a.a. 404-659). Rare non-truncating variants in this region have been shown to be significantly overrepresented in individuals with long QT syndrome (PMID: 32893267). To our knowledge, functional studies have not been reported for this variant. This variant has not been reported in individuals affected with KCNH2-related disorders in the literature. This variant has not been identified in the general population by the Genome Aggregation Database (gnomAD). The available evidence is insufficient to determine the role of this variant in disease conclusively. Therefore, this variant is classified as a Variant of Uncertain Significance.

This study involves interpretation of variants in research participants for the purpose of population health screening. Participant phenotype was not available at the time of variant classification. Additional details can be found in publication PMID: 35346344, PMCID: PMC8962531

Labcorp Genetics (formerly Invitae), Labcorp
Classification: Uncertain significance for Long QT syndrome. Last evaluated: 2024-04-11. Review status: criteria provided, single submitter. Criteria: Invitae Variant Classification Sherloc (09022015). Collection method: clinical testing. Allele origin: germline.
Comment: This sequence change replaces valine, which is neutral and non-polar, with methionine, which is neutral and non-polar, at codon 459 of the KCNH2 protein (p.Val459Met). This variant is not present in population databases (gnomAD no frequency). This variant has not been reported in the literature in individuals affected with KCNH2-related conditions. An algorithm developed to predict the effect of missense changes on protein structure and function (PolyPhen-2) suggests that this variant is likely to be disruptive. In summary, the available evidence is currently insufficient to determine the role of this variant in disease. Therefore, it has been classified as a Variant of Uncertain Significance.

GeneDx
Classification: Uncertain significance. Last evaluated: 2023-12-21. Review status: criteria provided, single submitter. Criteria: GeneDx Variant Classification Process June 2021. Collection method: clinical testing. Allele origin: germline. Affected: yes.
Comment: Not observed at significant frequency in large population cohorts (gnomAD); In silico analysis supports that this missense variant has a deleterious effect on protein structure/function; Has not been previously published as pathogenic or benign to our knowledge

Color Diagnostics, LLC DBA Color Health
Classification: Uncertain significance for Cardiac arrhythmia. Last evaluated: 2023-11-07. Review status: criteria provided, single submitter. Criteria: ACMG Guidelines, 2015. Collection method: clinical testing. Allele origin: germline.
Comment: This missense variant replaces valine with methionine at codon 459 of the KCNH2 protein. Computational prediction suggests that this variant may have deleterious impact on protein structure and function. This variant is found within a highly conserved pore region (a.a. 404-659). Rare non-truncating variants in this region have been shown to be significantly overrepresented in individuals with long QT syndrome (PMID: 32893267). To our knowledge, functional studies have not been reported for this variant. This variant has not been reported in individuals affected with KCNH2-related disorders in the literature. This variant has not been identified in the general population by the Genome Aggregation Database (gnomAD). The available evidence is insufficient to determine the role of this variant in disease conclusively. Therefore, this variant is classified as a Variant of Uncertain Significance.

Literature cited by the submitters: PubMed 32893267 (cited by All of Us Research Program, National Institutes of Health and Color Diagnostics, LLC DBA Color Health).